The following is an entry in ClinVar:

NM_000430.4(PAFAH1B1):c.842del (p.Cys281fs)

Gene: PAFAH1B1 (platelet activating factor acetylhydrolase 1b regulatory subunit 1; plus strand). Cytogenetic location: 17p13.3.
Variant type: Deletion.
Coding change: c.842del on transcript NM_000430.4 (MANE Select); coding-DNA position 842, one base deleted (G; older notation c.842delG).
Protein change: p.Cys281fs; shifts the reading frame from cysteine 281.
Molecular consequence: frameshift variant.
Genome position (GRCh38, 1-based): chr17:2,674,230, G deleted. VCF-style (leftmost placement, unchanged base first): chr17-2674229-TG-T. GRCh37 (hg19) VCF-style: chr17-2577523-TG-T.
Other names: short protein forms C281fs.
Identifiers: ClinVar variation 2837969 (VCV002837969.3), dbSNP rs2544106929, ClinGen allele CA2739267050.

ClinVar aggregate classification (germline): Pathogenic (1 of 4 stars; one submission).

Submission:

Labcorp Genetics (formerly Invitae), Labcorp
Classification: Pathogenic. Last evaluated: 2023-02-16. Review status: criteria provided, single submitter. Criteria: Invitae Variant Classification Sherloc (09022015). Collection method: clinical testing. Allele origin: germline.
Comment: This sequence change creates a premature translational stop signal (p.Cys281Serfs*52) in the PAFAH1B1 gene. It is expected to result in an absent or disrupted protein product. Loss-of-function variants in PAFAH1B1 are known to be pathogenic (PMID: 1671808, 11115846, 14581661). This variant is not present in population databases (gnomAD no frequency). This variant has not been reported in the literature in individuals affected with PAFAH1B1-related conditions. For these reasons, this variant has been classified as Pathogenic.

Literature cited by the submitters: PubMed 1671808; PubMed 11115846; PubMed 14581661.